The following is an entry in ClinVar:

NM_000518.5(HBB):c.184A>T (p.Lys62Ter)

Genes: HBB (hemoglobin subunit beta; minus strand), LOC106099062 (HBB recombination region; plus strand), LOC107133510 (origin of replication at HBB; plus strand). Cytogenetic location: 11p15.4.
Variant type: single nucleotide variant.
Coding change: c.184A>T on transcript NM_000518.5 (MANE Select); coding-DNA position 184, A replaced by T.
Protein change: p.Lys62Ter; replaces lysine 62 with a stop codon.
Molecular consequence: nonsense.
Genome position (GRCh38, 1-based): chr11:5,226,708, T>A on the plus strand (A>T on the coding strand, the complement: HBB is on the minus strand). VCF-style: chr11-5226708-T-A. GRCh37 (hg19) VCF-style: chr11-5247938-T-A.
Other names: K61*; CD 61 (AAG>TAG); short protein forms K62*.
Identifiers: ClinVar variation 15407 (VCV000015407.11), dbSNP rs33995148, ClinGen allele CA125269.

ClinVar aggregate classification (germline): Pathogenic. Review status: criteria provided, multiple submitters, no conflicts (2 of 4 stars). 7 submissions from 7 submitters: Pathogenic (5). 2 of the submissions do not count toward it. Last evaluated 2025-08-15.

Conditions:
Hb SS disease (SCD). Also called: Hemoglobin SS; Sickle cell anemia; Sickle cell disease; HbS disease; Hemoglobin S Disease; Sickling disorder due to hemoglobin S. Identifiers: Orphanet 232, Orphanet 275752, MedGen C0002895, MONDO:0011382, OMIM 603903.
Heinz body anemia. Also called: Heinz body hemolytic anemia. Identifiers: Orphanet 178330, MedGen C0700299, MONDO:0007705, OMIM 140700, HP:0005511.
alpha Thalassemia. Also called: Alpha thalassemia spectrum. Identifiers: Orphanet 846, MedGen C0002312, MONDO:0011399, OMIM 604131.
Dominant beta-thalassemia. Also called: Beta-thalassemia, dominant inclusion body type. Identifiers: Orphanet 231226, Orphanet 848, MedGen C1858990, MONDO:0011381, OMIM 603902.
Beta-thalassemia HBB/LCRB. Identifiers: MedGen CN322236, MONDO:0013517, OMIM 613985.
Erythrocytosis, familial, 6. Also called: POLYCYTHEMIA, BETA-GLOBIN TYPE; ERYTHROCYTOSIS, BETA-GLOBIN TYPE. Identifiers: MedGen C4693822, MONDO:0054801, OMIM 617980.
METHEMOGLOBINEMIA, BETA TYPE. Also called: Methemoglobinemia, beta-globin type. Identifiers: MedGen C1840779, OMIM 617971.
Malaria, susceptibility to. Identifiers: Orphanet 673, MedGen C1970028, MONDO:0021024, OMIM 611162.
Hereditary persistence of fetal hemoglobin. Identifiers: MedGen C0019025, MONDO:0020989, OMIM 141749.
beta Thalassemia (BTHAL). Also called: Cooley's anemia; Erythroblastic anemia; Mediterranean anemia. Identifiers: Orphanet 848, MedGen C0005283, MONDO:0019402. Disease mechanism: loss of function.
Beta zero thalassemia. Identifiers: MedGen C0271980.

Submissions (7):

Natera, Inc.
Classification: Pathogenic for Beta thalassemia. Last evaluated: 2025-08-15. Review status: criteria provided, single submitter. Criteria: Natera Variant Classification Schema (03/2026). Collection method: clinical testing. Allele origin: germline.
Comment: The c.184A>T variant in HBB is a nonsense variant predicted to introduce a stop codon at amino acid 62. This variant is expected to result in nonsense mediated decay, truncation, or a dysfunctional protein product. This variant is rare in the general population with a frequency below the threshold expected for the associated phenotype(s). This variant has been observed in one or more individuals affected with the associated recessive disease, as either homozygous or compound heterozygous with a second variant (PMID: 2458145). Given the available evidence, this variant is classified as Pathogenic.

ARUP Laboratories, Molecular Genetics and Genomics, ARUP Laboratories
Classification: Pathogenic. Last evaluated: 2024-04-02. Review status: criteria provided, single submitter. Criteria: ARUP Molecular Germline Variant Investigation Process 2024. Collection method: clinical testing. Allele origin: germline.
Comment: The HBB c.184A>T; p.Lys62Ter variant (also known as Codon 61 (A->T), rs33995148, HbVar ID: 866, ClinVar Variation ID: 15407) is reported in the literature in an individual affected with beta-thalassemia major that carried a second beta(0) allele in trans (Gonzalez-Redondo 1988). This variant is also absent from the Genome Aggregation Database (v2.1.1), indicating it is not a common polymorphism. This variant induces an early termination codon and is predicted to result in a truncated protein or mRNA subject to nonsense-mediated decay. Based on available information, this variant is considered to be pathogenic. References: Link to HbVar database: Gonzalez-Redondo JM et al. Clinical and genetic heterogeneity in black patients with homozygous beta-thalassemia from the southeastern United States. Blood. 1988 Sep;72(3):1007-14. PMID: 2458145.

Quest Diagnostics Nichols Institute San Juan Capistrano
Classification: Pathogenic. Last evaluated: 2023-03-09. Review status: criteria provided, single submitter. Criteria: Quest Diagnostics criteria. Collection method: clinical testing. Allele origin: unknown.
Comment: This nonsense variant causes the premature termination of HBB protein synthesis. This variant has not been reported in large, multi-ethnic general populations. In the published literature, the variant has been reported in a child affected with beta thalassemia major (PMID: 2458145 (1988)). Based on the available information, this variant is classified as pathogenic.

Fulgent Genetics
Classification: Pathogenic for Heinz body anemia; Hereditary persistence of fetal hemoglobin; Dominant beta-thalassemia; Hb SS disease; alpha Thalassemia; Malaria, susceptibility to; Beta-thalassemia HBB/LCRB; METHEMOGLOBINEMIA, BETA TYPE; Erythrocytosis, familial, 6. Last evaluated: 2022-01-26. Review status: criteria provided, single submitter. Criteria: ACMG Guidelines, 2015. Collection method: clinical testing. Allele origin: unknown.

Women's Health and Genetics/Laboratory Corporation of America, LabCorp
Classification: Pathogenic for beta Thalassemia. Last evaluated: 2020-02-17. Review status: criteria provided, single submitter. Criteria: LabCorp Variant Classification Summary - May 2015. Collection method: clinical testing. Allele origin: germline.
Comment: Variant summary: HBB c.184A>T (p.Lys62X) results in a premature termination codon, predicted to cause a truncation of the encoded protein or absence of the protein due to nonsense mediated decay, which are commonly known mechanisms for disease. Truncations downstream of this position have been classified as pathogenic by our laboratory. The variant was absent in 251424 control chromosomes. It has subsequently been cited in the literature and locus specific databases. To our knowledge, no experimental evidence demonstrating an impact on protein function has been reported. One clinical diagnostic laboratory has submitted clinical-significance assessments for this variant to ClinVar after 2014 without evidence for independent evaluation and classified the variant as pathogenic citing the original literature report. Based on the evidence outlined above, the variant was classified as pathogenic.

The ITHANET community portal, The Cyprus Institute of Neurology and Genetics
Classification: Pathogenic for beta Thalassemia. Last evaluated: 2019-11-25. Review status: no assertion criteria provided. Collection method: curation. Allele origin: germline. Not counted in ClinVar's aggregate classification.

OMIM
Classification: Pathogenic for BETA-ZERO-THALASSEMIA. Last evaluated: 1988-09-01. Review status: no assertion criteria provided. Collection method: literature only. Allele origin: germline. Not counted in ClinVar's aggregate classification.

Literature cited by the submitters: PubMed 2458145 (cited by 5 submitters); PubMed 7632967 (cited by Quest Diagnostics Nichols Institute San Juan Capistrano and Women's Health and Genetics/Laboratory Corporation of America, LabCorp); PubMed 2917118 (cited by Women's Health and Genetics/Laboratory Corporation of America, LabCorp).